The following is an entry in ClinVar:

ClinVar aggregate classification (germline): Uncertain significance. Review status: criteria provided, multiple submitters, no conflicts (2 of 4 stars). 2 submissions from 2 submitters: Uncertain significance (2). Last evaluated 2022-10-03.

Conditions:
Renal carnitine transport defect (CDSP). Also called: Systemic primary carnitine deficiency; Primary carnitine deficiency; Systemic primary carnitine deficiency disease; CARNITINE DEFICIENCY, SYSTEMIC, DUE TO DEFECT IN RENAL REABSORPTION OF CARNITINE; CARNITINE TRANSPORTER, PLASMA-MEMBRANE, DEFICIENCY OF; CARNITINE UPTAKE DEFECT. Identifiers: Orphanet 158, MedGen C0342788, MONDO:0008919, OMIM 212140.

Allele frequency attached by ClinVar (database versions not stated): gnomAD exomes below 0.00001; gnomAD 0.00001.
gnomAD v4.1: 5 of 1,613,392 alleles (0.00031%); highest among the groups gnomAD compares: Non-Finnish European, 0.00042%; no homozygotes.

Submissions (2):

Giacomini Lab, University of California, San Francisco
Classification: Uncertain significance for Renal carnitine transport defect. Last evaluated: 2022-10-03. Review status: criteria provided, single submitter. Criteria: ACMG Guidelines, 2015. Collection method: research, in vitro. Allele origin: germline, not applicable.

Labcorp Genetics (formerly Invitae), Labcorp
Classification: Uncertain significance for Renal carnitine transport defect. Last evaluated: 2022-04-08. Review status: criteria provided, single submitter. Criteria: Invitae Variant Classification Sherloc (09022015). Collection method: clinical testing. Allele origin: germline.
Comment: This sequence change replaces valine, which is neutral and non-polar, with glycine, which is neutral and non-polar, at codon 235 of the SLC22A5 protein (p.Val235Gly). This variant is present in population databases (rs796052034, gnomAD 0.007%). This variant has not been reported in the literature in individuals affected with SLC22A5-related conditions. Advanced modeling of protein sequence and biophysical properties (such as structural, functional, and spatial information, amino acid conservation, physicochemical variation, residue mobility, and thermodynamic stability) performed at Invitae indicates that this missense variant is expected to disrupt SLC22A5 protein function. In summary, the available evidence is currently insufficient to determine the role of this variant in disease. Therefore, it has been classified as a Variant of Uncertain Significance.

NM_003060.4(SLC22A5):c.704T>G (p.Val235Gly)

Gene: SLC22A5 (solute carrier family 22 member 5; plus strand). Cytogenetic location: 5q31.1.
Variant type: single nucleotide variant.
Coding change: c.704T>G on transcript NM_003060.4 (MANE Select); coding-DNA position 704, T replaced by G.
Protein change: p.Val235Gly; replaces valine 235 with glycine.
Molecular consequence: missense variant.
Genome position (GRCh38, 1-based): chr5:132,385,379, T>G. VCF-style: chr5-132385379-T-G. GRCh37 (hg19) VCF-style: chr5-131721071-T-G.
Other names: p.Val235Gly; c.776T>G, p.Val259Gly (NM_001308122.2); short protein forms V235G, V259G.
Identifiers: ClinVar variation 1707668 (VCV001707668.4), dbSNP rs796052034, ClinGen allele CA312945.
Genomic context (GRCh38, chr5:132,385,379, plus strand): 5'-TTTGAACAGGGACAGAAATTCTTGGCAAGTCAGTTCGTATAATATTCTCTACGTTAGGAG[T>G]GTGCATATTTTATGCATTTGGCTACATGGTGCTGCCACTGTTTGCTTACTTCATCCGAGA-3'
Protein context (NP_003051.1, residues 225-245): SVRIIFSTLG[Val235Gly]CIFYAFGYMV